The following is an entry in ClinVar:

NM_002485.5(NBN):c.585-3C>A

Gene: NBN (nibrin; minus strand). Cytogenetic location: 8q21.3.
Variant type: single nucleotide variant.
Coding change: c.585-3C>A on transcript NM_002485.5 (MANE Select); 3 bases into the intron before coding-DNA position 585, C replaced by A.
Molecular consequence: intron variant.
Genome position (GRCh38, 1-based): chr8:89,971,293, G>T on the plus strand (C>A on the coding strand, the complement: NBN is on the minus strand). VCF-style: chr8-89971293-G-T. GRCh37 (hg19) VCF-style: chr8-90983521-G-T.
Other names: c.339-3C>A (NM_001024688.3).
Identifiers: ClinVar variation 655941 (VCV000655941.6), dbSNP rs779430868, ClinGen allele CA915945793.
Genomic context (GRCh38, chr8:89,971,293, plus strand): 5'-TCCTGACAGATCAACATTTTTACTTCCAATAGATGGTTCATCAAGAGGTGGGTAAAAACT[G>T]TAAAAATAATTAAAGTATATTCTAATTATATACTACTATGTTTGCTATTAAATTGTAAAC-3'

ClinVar aggregate classification (germline): Uncertain significance (1 of 4 stars; one submission).

Conditions:
Microcephaly, normal intelligence and immunodeficiency (NBS). Also called: BERLIN BREAKAGE SYNDROME; Immunodeficiency, microcephaly with normal intelligence; SEEMANOVA SYNDROME II; Ataxia telangiectasia variant V1; Nijmegen breakage syndrome; IMMUNODEFICIENCY, MICROCEPHALY, AND CHROMOSOMAL INSTABILITY. Identifiers: Orphanet 647, MedGen C0398791, MONDO:0009623, OMIM 251260.

gnomAD v4.1: 3 of 1,608,090 alleles (0.00019%); highest among the groups gnomAD compares: Non-Finnish European, 0.00026%; no homozygotes.

Submission:

Labcorp Genetics (formerly Invitae), Labcorp
Classification: Uncertain significance for Microcephaly, normal intelligence and immunodeficiency. Last evaluated: 2021-08-31. Review status: criteria provided, single submitter. Criteria: Invitae Variant Classification Sherloc (09022015). Collection method: clinical testing. Allele origin: germline.
Comment: This sequence change falls in intron 5 of the NBN gene. It does not directly change the encoded amino acid sequence of the NBN protein. It affects a nucleotide within the consensus splice site of the intron. This variant is not present in population databases (ExAC no frequency). This variant has not been reported in the literature in individuals affected with NBN-related conditions. Variants that disrupt the consensus splice site are a relatively common cause of aberrant splicing (PMID: 17576681, 9536098). Algorithms developed to predict the effect of sequence changes on RNA splicing suggest that this variant may disrupt the consensus splice site. In summary, the available evidence is currently insufficient to determine the role of this variant in disease. Therefore, it has been classified as a Variant of Uncertain Significance.

Literature cited by the submitters: PubMed 17576681; PubMed 9536098.